The following is an entry in ClinVar:

ClinVar aggregate classification (germline): Conflicting classifications of pathogenicity. Review status: criteria provided, conflicting classifications (1 of 4 stars). 6 submissions from 6 submitters: Uncertain significance (2); Likely benign (2). 2 of the submissions do not count toward it. Last evaluated 2025-12-17.

Conditions:
Obesity due to SIM1 deficiency. Identifiers: Orphanet 369873, MedGen C5191050, MONDO:0018244.

Allele frequency attached by ClinVar (database versions not stated): 1000 Genomes Project 30x 0.00016; 1000 Genomes Project 0.00020; TOPMed 0.00020; ESP Exome Variant Server 0.00023; gnomAD 0.00030 and 0.00031; gnomAD exomes 0.00042; ExAC 0.00044.
gnomAD v4.1: 615 of 1,524,068 alleles (0.04%); highest among the groups gnomAD compares: South Asian, 0.098%; 1 homozygote.

Submissions (6):

Labcorp Genetics (formerly Invitae), Labcorp
Classification: Uncertain significance. Last evaluated: 2025-12-17. Review status: criteria provided, single submitter. Criteria: Invitae Variant Classification Sherloc (09022015). Collection method: clinical testing. Allele origin: germline.
Comment: This sequence change affects codon 523 of the SIM1 mRNA. It is a 'silent' change, meaning that it does not change the encoded amino acid sequence of the SIM1 protein. It affects a nucleotide within the consensus splice site. This variant is present in population databases (rs138590764, gnomAD 0.06%), and has an allele count higher than expected for a pathogenic variant. This variant has not been reported in the literature in individuals affected with SIM1-related conditions. ClinVar contains an entry for this variant (Variation ID: 354677). Algorithms developed to predict the effect of sequence changes on RNA splicing suggest that this variant is not likely to affect RNA splicing. In summary, the available evidence is currently insufficient to determine the role of this variant in disease. Therefore, it has been classified as a Variant of Uncertain Significance.

Laboratory of Genetics, Children's Clinical University Hospital Latvia
Classification: Likely benign. Last evaluated: 2025-02-16. Review status: criteria provided, single submitter. Criteria: ACMG Guidelines, 2015. Collection method: clinical testing. Allele origin: germline. Affected: yes.

CeGaT Center for Human Genetics Tuebingen
Classification: Likely benign. Last evaluated: 2023-10-01. Review status: criteria provided, single submitter. Criteria: CeGaT Center For Human Genetics Tuebingen Variant Classification Criteria Version 2. Collection method: clinical testing. Allele origin: germline. Affected: yes. Observed: 1 variant allele.
Comment: SIM1: BP4, BP7

Illumina Laboratory Services, Illumina
Classification: Uncertain significance for Obesity due to SIM1 deficiency. Last evaluated: 2018-01-12. Review status: criteria provided, single submitter. Criteria: ICSL Variant Classification Criteria 13 December 2019. Collection method: clinical testing. Allele origin: germline.

Clinical Genetics, Academic Medical Center
Classification: Likely benign. Review status: no assertion criteria provided. Collection method: clinical testing. Allele origin: germline. Affected: yes. Study: VKGL Data-share Consensus. Not counted in ClinVar's aggregate classification.

Genome Diagnostics Laboratory, University Medical Center Utrecht
Classification: Likely benign. Review status: no assertion criteria provided. Collection method: clinical testing. Allele origin: germline. Affected: yes. Study: VKGL Data-share Consensus. Not counted in ClinVar's aggregate classification.

NM_005068.3(SIM1):c.1569T>C (p.His523=)

Genes: SIM1-AS1 (SIM1 antisense RNA 1; plus strand), SIM1 (SIM bHLH transcription factor 1; minus strand). Cytogenetic location: 6q16.3.
Variant type: single nucleotide variant.
Coding change: c.1569T>C on transcript NM_005068.3 (MANE Select); coding-DNA position 1569, T replaced by C.
Protein change: p.His523=; no amino-acid change (histidine 523 retained).
Molecular consequence: synonymous variant.
Genome position (GRCh38, 1-based): chr6:100,393,488, A>G on the plus strand (T>C on the coding strand, the complement: SIM1 is on the minus strand). VCF-style: chr6-100393488-A-G. GRCh37 (hg19) VCF-style: chr6-100841364-A-G.
Other names: c.1569T>C, p.His523= (NM_001374769.1).
Identifiers: ClinVar variation 354677 (VCV000354677.35), dbSNP rs138590764, ClinGen allele CA3936992.
Genomic context (GRCh38, chr6:100,393,488, plus strand): 5'-TGATGAACCTGCCCAGGGCCTAATGCTTGGAGTTCGGGAACCCTTTCACCTGCTCTTACC[A>G]TGGATCCTGTGGACTGAAGCGATGTGAGGCATGCTGTTTTCATAGGCTTCTCTGCTTTCT-3'
Protein context (NP_005059.2, residues 513-533): MPHIASVHRI[His523=]GRGHWDEDSV